The following is an entry in ClinVar:

ClinVar aggregate classification (germline): Uncertain significance. Review status: criteria provided, multiple submitters, no conflicts (2 of 4 stars). 2 submissions from 2 submitters: Uncertain significance (2). Last evaluated 2025-10-29.

Conditions:
Gingival disorder. Also called: Gingival disease. Identifiers: MedGen C0017563, MONDO:0002021.

Allele frequency attached by ClinVar (database versions not stated): gnomAD exomes 0.00001; TOPMed 0.00001; gnomAD 0.00002.

Submissions (2):

Ambry Genetics
Classification: Uncertain significance. Last evaluated: 2025-10-29. Review status: criteria provided, single submitter. Criteria: Ambry Variant Classification Scheme 2023. Collection method: clinical testing. Allele origin: germline.

Labcorp Genetics (formerly Invitae), Labcorp
Classification: Uncertain significance for Gingival disorder. Last evaluated: 2025-02-07. Review status: criteria provided, single submitter. Criteria: Invitae Variant Classification Sherloc (09022015). Collection method: clinical testing. Allele origin: germline.
Comment: This sequence change replaces valine, which is neutral and non-polar, with methionine, which is neutral and non-polar, at codon 139 of the FPR1 protein (p.Val139Met). This variant is not present in population databases (gnomAD no frequency). This variant has not been reported in the literature in individuals affected with FPR1-related conditions. ClinVar contains an entry for this variant (Variation ID: 2062740). An algorithm developed to predict the effect of missense changes on protein structure and function (PolyPhen-2) suggests that this variant is likely to be disruptive. In summary, the available evidence is currently insufficient to determine the role of this variant in disease. Therefore, it has been classified as a Variant of Uncertain Significance.

NM_002029.4(FPR1):c.415G>A (p.Val139Met)

Gene: FPR1 (formyl peptide receptor 1; minus strand). Cytogenetic location: 19q13.41.
Variant type: single nucleotide variant.
Coding change: c.415G>A on transcript NM_002029.4 (MANE Select); coding-DNA position 415, G replaced by A.
Protein change: p.Val139Met; replaces valine 139 with methionine.
Molecular consequence: missense variant.
Genome position (GRCh38, 1-based): chr19:51,746,580, C>T on the plus strand (G>A on the coding strand, the complement: FPR1 is on the minus strand). VCF-style: chr19-51746580-C-T. GRCh37 (hg19) VCF-style: chr19-52249833-C-T.
Other names: c.415G>A, p.Val139Met (NM_001193306.2); short protein forms V139M.
Identifiers: ClinVar variation 2062740 (VCV002062740.5), dbSNP rs933017940, ClinGen allele CA309808439.
Genomic context (GRCh38, chr19:51,746,580, plus strand): 5'-GCAATGTGAGGAGCAGAGCCATCACCCAGGGCCCAATGATCACCTTCTTGGCCAGGCTCA[C>T]GGTGCGGTGGTTCTGGGTCCAGACTGGATGCAGGACGCAAACACAGCGGTCCAGAGCAAT-3'
Protein context (NP_002020.1, residues 129-149): HPVWTQNHRT[Val139Met]SLAKKVIIGP